The following is an entry in ClinVar:

ClinVar aggregate classification (germline): Uncertain significance (1 of 4 stars; one submission).

Conditions:
Primary dilated cardiomyopathy (DCM). Also called: Dilated Cardiomyopathy. Identifiers: Orphanet 217604, MedGen C0007193, MeSH D002311, MONDO:0005021, HP:0001644. Inheritance: Various modes of inheritance.

Allele frequency attached by ClinVar (database versions not stated): gnomAD exomes below 0.00001.
gnomAD v4.1: 1 of 1,614,166 alleles (0.000062%); highest among the groups gnomAD compares: East Asian, 0.0022%; no homozygotes.

Submission:

Labcorp Genetics (formerly Invitae), Labcorp
Classification: Uncertain significance for Primary dilated cardiomyopathy. Last evaluated: 2022-10-07. Review status: criteria provided, single submitter. Criteria: Invitae Variant Classification Sherloc (09022015). Collection method: clinical testing. Allele origin: germline.
Comment: This variant is not present in population databases (gnomAD no frequency). This sequence change replaces glutamine, which is neutral and polar, with histidine, which is basic and polar, at codon 243 of the FHL2 protein (p.Gln243His). This variant has not been reported in the literature in individuals affected with FHL2-related conditions. In summary, the available evidence is currently insufficient to determine the role of this variant in disease. Therefore, it has been classified as a Variant of Uncertain Significance. Advanced modeling of protein sequence and biophysical properties (such as structural, functional, and spatial information, amino acid conservation, physicochemical variation, residue mobility, and thermodynamic stability) performed at Invitae indicates that this missense variant is not expected to disrupt FHL2 protein function.

NM_001318895.3(FHL2):c.729G>C (p.Gln243His)

Genes: C2orf49 (chromosome 2 open reading frame 49; plus strand), FHL2 (four and a half LIM domains 2; minus strand). Cytogenetic location: 2q12.2.
Variant type: single nucleotide variant.
Coding change: c.729G>C on transcript NM_001318895.3 (MANE Select); coding-DNA position 729, G replaced by C.
Protein change: p.Gln243His; replaces glutamine 243 with histidine.
Molecular consequence: missense variant.
Genome position (GRCh38, 1-based): chr2:105,361,394, C>G on the plus strand (G>C on the coding strand, the complement: FHL2 is on the minus strand). VCF-style: chr2-105361394-C-G. GRCh37 (hg19) VCF-style: chr2-105977851-C-G.
Other names: c.729G>C, p.Gln243His (NM_001039492.3, NM_001318894.1, NM_001318896.2 and 4 more transcripts); c.387G>C, p.Gln129His (NM_001318897.2, NM_001318898.2); c.405G>C, p.Gln135His (NM_001318899.2); short protein forms Q129H, Q135H, Q243H.
Identifiers: ClinVar variation 1721095 (VCV001721095.6), dbSNP rs2467138882, ClinGen allele CA347995423.